The following is an entry in ClinVar:

ClinVar aggregate classification (germline): Uncertain significance. Review status: reviewed by expert panel (3 of 4 stars). 2 submissions from 2 submitters: Uncertain significance (1). 1 of the submissions does not count toward it. Last evaluated 2024-12-06.

Conditions:
Mucopolysaccharidosis type 1. Also called: IDUA deficiency; MPS I. Identifiers: Orphanet 579, MedGen C0023786, MONDO:0001586.

Allele frequency attached by ClinVar (database versions not stated): TOPMed below 0.00001.
gnomAD v4.1: 2 of 1,556,952 alleles (0.00013%); highest among the groups gnomAD compares: Non-Finnish European, 0.00017%; no homozygotes.

Submissions (2):

ClinGen Lysosomal Storage Disorder Variant Curation Expert Panel
Classification: Uncertain significance for Mucopolysaccharidosis type 1. Last evaluated: 2024-12-06. Review status: reviewed by expert panel. Criteria: ClinGen LSD ACMG Specifications IDUA V1.0.0. Collection method: curation. Allele origin: germline. Inheritance: Autosomal recessive inheritance.
Comment: The NM_000203.5(IDUA):c.964G>T variant in IDUA is a missense variant predicted to cause substitution of valine by leucine at amino acid 322 (p.Val322Leu). To our knowledge, this variant has not been reported in the literature in any individuals with MPS1. The highest population minor allele frequency in gnomAD v4.1.0 is 0.000001738 (2/1150642 alleles; no homozygotes) in the European non-Finnish population, which is lower than the ClinGen Lysosomal Diseases VCEP’s threshold for PM2_Supporting (<0.00025), meeting this criterion (PM2_Supporting). To our knowledge, the results of functional assays have not been reported for this variant. The computational predictor REVEL gives a score of 0.806 which is above the threshold of 0.773, evidence that correlates with impact to IDUA function at the moderate level (PP3_Moderate). There is a ClinVar entry for this variant (Variation ID: 905912). In summary, this variant meets the criteria to be classified as a variant of uncertain significance for MPS I due to insufficient evidence and based on the ACMG/AMP criteria applied, as specified by the ClinGen Lysosomal Diseases Variant Curation Expert panel (Specifications Version 1.0.0): PM2_Supporting, PP3_Moderate. (Classification approved by the ClinGen Lysosomal Diseases Variant Curation Expert Panel on December 6, 2024)

Illumina Laboratory Services, Illumina
Classification: Uncertain significance for Mucopolysaccharidosis type 1. Last evaluated: 2017-04-27. Review status: criteria provided, single submitter. Criteria: ICSL Variant Classification Criteria 13 December 2019. Collection method: clinical testing. Allele origin: germline. Not counted in ClinVar's aggregate classification.

NM_000203.5(IDUA):c.964G>T (p.Val322Leu)

Gene: IDUA (alpha-L-iduronidase; plus strand). Cytogenetic location: 4p16.3.
Variant type: single nucleotide variant.
Coding change: c.964G>T on transcript NM_000203.5 (MANE Select); coding-DNA position 964, G replaced by T.
Protein change: p.Val322Leu; replaces valine 322 with leucine.
Molecular consequence: missense variant. On other transcripts: non-coding transcript variant (1).
Genome position (GRCh38, 1-based): chr4:1,002,153, G>T. VCF-style: chr4-1002153-G-T. GRCh37 (hg19) VCF-style: chr4-995941-G-T.
Other names: NM_000203.5(IDUA):c.964G>T; p.Val322Leu; c.568G>T, p.Val190Leu (NM_001363576.1); short protein forms V190L, V322L.
Identifiers: ClinVar variation 905912 (VCV000905912.5), dbSNP rs1433608644, ClinGen allele CA355962863.
Genomic context (GRCh38, chr4:1,002,153, plus strand): 5'-CCGCTGGTGGGCTGGTCCCTGCCACAGCCGTGGAGGGCGGACGTGACCTACGCGGCCATG[G>T]TGGTGAAGGTGGGCCGGCCCAACGCCCTGCGCGCCCCCCGGCCACCTTCCTCCCGAGACG-3'
Protein context (NP_000194.2, residues 312-332): WRADVTYAAM[Val322Leu]VKVIAQHQNL